The following is an entry in ClinVar:

ClinVar aggregate classification (germline): Uncertain significance (1 of 4 stars; one submission).

Submission:

GeneDx
Classification: Uncertain significance. Last evaluated: 2024-02-27. Review status: criteria provided, single submitter. Criteria: GeneDx Variant Classification Process June 2021. Collection method: clinical testing. Allele origin: germline. Affected: yes.
Comment: Has not been previously published as pathogenic or benign to our knowledge; Not observed at significant frequency in large population cohorts (gnomAD); In silico analysis supports that this missense variant has a deleterious effect on protein structure/function

NM_001363118.2(SLC52A2):c.625G>C (p.Ala209Pro)

Gene: SLC52A2 (solute carrier family 52 member 2; plus strand). Cytogenetic location: 8q24.3.
Variant type: single nucleotide variant.
Coding change: c.625G>C on transcript NM_001363118.2 (MANE Select); coding-DNA position 625, G replaced by C.
Protein change: p.Ala209Pro; replaces alanine 209 with proline.
Molecular consequence: missense variant. On other transcripts: non-coding transcript variant (1).
Genome position (GRCh38, 1-based): chr8:144,360,117, G>C. VCF-style: chr8-144360117-G-C. GRCh37 (hg19) VCF-style: chr8-145583777-G-C.
Other names: c.625G>C, p.Ala209Pro (NM_001253815.2, NM_001253816.2, NM_001363120.2 and 2 more transcripts); c.133G>C, p.Ala45Pro (NM_001363122.2); c.361G>C, p.Ala121Pro (NM_001410949.1); short protein forms A121P, A209P, A45P.
Identifiers: ClinVar variation 3369798 (VCV003369798.1).